The following is an entry in ClinVar:

ClinVar aggregate classification (germline): Benign/Likely benign. Review status: criteria provided, multiple submitters, no conflicts (2 of 4 stars). 5 submissions from 5 submitters: Benign (1); Likely benign (4). Last evaluated 2025-11-13.

Conditions:
Cardiac arrhythmia. Also called: Arrhythmia; Cardiac rhythm disease. Identifiers: MedGen C0003811, MONDO:0007263, HP:0011675.
Long QT syndrome (LQTS). Identifiers: MedGen C0023976, MeSH D008133, MONDO:0002442. Disease mechanism: loss of function. Inheritance: Various modes of inheritance.
Cardiovascular phenotype. Identifiers: MedGen CN230736.

Allele frequency attached by ClinVar (database versions not stated): gnomAD 0.00002 and 0.00003; TOPMed 0.00003; gnomAD exomes 0.00004; ExAC 0.00005; 1000 Genomes Project 0.00020; 1000 Genomes Project 30x 0.00031.
gnomAD v4.1: 47 of 1,613,822 alleles (0.0029%); highest among the groups gnomAD compares: Admixed American, 0.005%; no homozygotes.

Submissions (5):

Labcorp Genetics (formerly Invitae), Labcorp
Classification: Likely benign for Long QT syndrome. Last evaluated: 2025-11-13. Review status: criteria provided, single submitter. Criteria: Invitae Variant Classification Sherloc (09022015). Collection method: clinical testing. Allele origin: germline.

All of Us Research Program, National Institutes of Health
Classification: Likely benign for Long QT syndrome. Last evaluated: 2023-12-18. Review status: criteria provided, single submitter. Criteria: ACMG Guidelines, 2015. Collection method: clinical testing. Allele origin: germline. Inheritance: Autosomal dominant inheritance. Observed: 16 variant alleles, 16 heterozygotes.
Comment: This study involves interpretation of variants in research participants for the purpose of population health screening. Participant phenotype was not available at the time of variant classification. Additional details can be found in publication PMID: 35346344, PMCID: PMC8962531

Ambry Genetics
Classification: Likely benign for Cardiovascular phenotype. Last evaluated: 2020-04-06. Review status: criteria provided, single submitter. Criteria: Ambry Variant Classification Scheme 2023. Collection method: clinical testing. Allele origin: germline.

Color Diagnostics, LLC DBA Color Health
Classification: Likely benign for Arrhythmia. Last evaluated: 2018-10-22. Review status: criteria provided, single submitter. Criteria: ACMG Guidelines, 2015. Collection method: clinical testing. Allele origin: germline.

GeneDx
Classification: Benign. Last evaluated: 2014-04-01. Review status: criteria provided, single submitter. Criteria: GeneDx Variant Classification (06012015). Collection method: clinical testing. Allele origin: germline. Affected: yes.
Comment: This variant is considered likely benign or benign based on one or more of the following criteria: it is a conservative change, it occurs at a poorly conserved position in the protein, it is predicted to be benign by multiple in silico algorithms, and/or has population frequency not consistent with disease.

NM_000238.4(KCNH2):c.1149C>T (p.Asp383=)

Gene: KCNH2 (potassium voltage-gated channel subfamily H member 2; minus strand). Cytogenetic location: 7q36.1.
Variant type: single nucleotide variant.
Coding change: c.1149C>T on transcript NM_000238.4 (MANE Select); coding-DNA position 1149, C replaced by T.
Protein change: p.Asp383=; no amino-acid change (aspartic acid 383 retained).
Molecular consequence: synonymous variant. On other transcripts: non-coding transcript variant (2).
Genome position (GRCh38, 1-based): chr7:150,952,833, G>A on the plus strand (C>T on the coding strand, the complement: KCNH2 is on the minus strand). VCF-style: chr7-150952833-G-A. GRCh37 (hg19) VCF-style: chr7-150649921-G-A.
Other names: p.D383D:GAC>GAT; c.129C>T, p.Asp43= (NM_001204798.2, NM_172057.3); c.861C>T, p.Asp287= (NM_001406753.1, NM_001406756.1); c.972C>T, p.Asp324= (NM_001406755.1); c.849C>T, p.Asp283= (NM_001406757.1); c.1149C>T, p.Asp383= (NM_172056.3).
Identifiers: ClinVar variation 200220 (VCV000200220.19), dbSNP rs201995634, ClinGen allele CA004250.